The following is an entry in ClinVar:

ClinVar aggregate classification (germline): Conflicting classifications of pathogenicity. Review status: criteria provided, conflicting classifications (1 of 4 stars). 5 submissions from 5 submitters: Uncertain significance (4); Likely benign (1). Last evaluated 2024-12-25.

Conditions:
Hereditary cancer. Identifiers: MedGen C1333600.
Fanconi anemia (FA). Also called: Fanconi's anemia. Identifiers: Orphanet 84, MedGen C0015625, MeSH D005199, MONDO:0019391.
Inborn genetic diseases. Identifiers: MedGen C0950123, MeSH D030342.

Allele frequency attached by ClinVar (database versions not stated): TOPMed 0.00002.
gnomAD v4.1: 6 of 1,589,880 alleles (0.00038%); highest among the groups gnomAD compares: Non-Finnish European, 0.00051%; no homozygotes.

Submissions (5):

Ambry Genetics
Classification: Uncertain significance for Inborn genetic diseases. Last evaluated: 2024-12-25. Review status: criteria provided, single submitter. Criteria: Ambry Variant Classification Scheme 2023. Collection method: clinical testing. Allele origin: germline.
Comment: The p.D893G variant (also known as c.2678A>G), located in coding exon 14 of the FANCM gene, results from an A to G substitution at nucleotide position 2678. The aspartic acid at codon 893 is replaced by glycine, an amino acid with similar properties. This amino acid position is conserved. In addition, this alteration is predicted to be tolerated by in silico analysis. Based on the available evidence, the clinical significance of this variant remains unclear.

Quest Diagnostics Nichols Institute San Juan Capistrano
Classification: Uncertain significance. Last evaluated: 2024-09-16. Review status: criteria provided, single submitter. Criteria: Quest Diagnostics criteria. Collection method: clinical testing. Allele origin: unknown.
Comment: The FANCM c.2678A>G (p.Asp893Gly) variant has not been reported in individuals with FANCM-related conditions in the published literature. It also has not been reported in large, multi-ethnic general populations (Genome Aggregation Database). Analysis of this variant using bioinformatics tools for the prediction of the effect of amino acid changes on protein structure and function yielded predictions that this variant is benign. Based on the available information, we are unable to determine the clinical significance of this variant.

Mendelics
Classification: Likely benign for Hereditary cancer. Last evaluated: 2024-09-11. Review status: criteria provided, single submitter. Criteria: ACMG Guidelines, 2015. Collection method: clinical testing. Allele origin: unknown.
Comment: This variant is considered likely benign or benign based on one or more of the following: it is predicted to be benign by multiple in silico algorithms, and/or has population frequency not consistent with disease, and/or has normal protein function, and/or has lack of segregation with disease, and/or has been detected in co-occurrence with known pathogenic variant, and/or has lack of disease association in case-control studies, and/or is located in a region inconsistent with a known cause of pathogenicity.

Blueprint Genetics
Classification: Uncertain significance. Last evaluated: 2024-05-15. Review status: criteria provided, single submitter. Criteria: ACMG Guidelines, 2015. Collection method: clinical testing. Allele origin: germline.

Labcorp Genetics (formerly Invitae), Labcorp
Classification: Uncertain significance for Fanconi anemia. Last evaluated: 2024-01-05. Review status: criteria provided, single submitter. Criteria: Invitae Variant Classification Sherloc (09022015). Collection method: clinical testing. Allele origin: germline.
Comment: This sequence change replaces aspartic acid, which is acidic and polar, with glycine, which is neutral and non-polar, at codon 893 of the FANCM protein (p.Asp893Gly). This variant is not present in population databases (gnomAD no frequency). This variant has not been reported in the literature in individuals affected with FANCM-related conditions. An algorithm developed to predict the effect of missense changes on protein structure and function (PolyPhen-2) suggests that this variant¬¨‚Ä†is likely to be tolerated. In summary, the available evidence is currently insufficient to determine the role of this variant in disease. Therefore, it has been classified as a Variant of Uncertain Significance.

NM_020937.4(FANCM):c.2678A>G (p.Asp893Gly)

Gene: FANCM (FA complementation group M; plus strand). Cytogenetic location: 14q21.2.
Variant type: single nucleotide variant.
Coding change: c.2678A>G on transcript NM_020937.4 (MANE Select); coding-DNA position 2678, A replaced by G.
Protein change: p.Asp893Gly; replaces aspartic acid 893 with glycine.
Molecular consequence: missense variant.
Genome position (GRCh38, 1-based): chr14:45,175,432, A>G. VCF-style: chr14-45175432-A-G. GRCh37 (hg19) VCF-style: chr14-45644635-A-G.
Other names: c.2600A>G, p.Asp867Gly (NM_001308133.2); c.2678A>G (NM_020937.3); short protein forms D893G, D867G.
Identifiers: ClinVar variation 2980348 (VCV002980348.6), dbSNP rs1023555775, ClinGen allele CA259627845.
Genomic context (GRCh38, chr14:45,175,432, plus strand): 5'-GTATTATAGATTCTGTAGATAATGACAGAAATTCCACTGTTGAAAATATTTTTCAAGAAG[A>G]CCTACCAAATGATAAAAGGACATCAGATACAGATGAAATTGCTGCCACATGTACTATTAA-3'
Protein context (NP_065988.1, residues 883-903): NSTVENIFQE[Asp893Gly]LPNDKRTSDT